The following is an entry in ClinVar:

ClinVar aggregate classification (germline): Benign. Review status: criteria provided, single submitter (1 of 4 stars). 2 submissions from 2 submitters: Benign (1). 1 of the submissions does not count toward it. Last evaluated 2023-08-01.

Conditions:
SOX5-related disorder. Also called: SOX5-related condition.

Allele frequency attached by ClinVar (database versions not stated): gnomAD exomes 0.00032; ExAC 0.00110; 1000 Genomes Project 0.00359; gnomAD 0.00366; 1000 Genomes Project 30x 0.00390; TOPMed 0.00419; ESP Exome Variant Server 0.00427.
gnomAD v4.1: 1,050 of 1,603,218 alleles (0.065%); highest among the groups gnomAD compares: African/African-American, 1.2%; 6 homozygotes.

Submissions (5):

CeGaT Center for Human Genetics Tuebingen
Classification: Benign. Last evaluated: 2023-08-01. Review status: criteria provided, single submitter. Criteria: CeGaT Center For Human Genetics Tuebingen Variant Classification Criteria Version 2. Collection method: clinical testing. Allele origin: germline. Affected: yes. Observed: 1 variant allele.
Comment: SOX5: BP4, BP7, BS1, BS2

PreventionGenetics, part of Exact Sciences
Classification: Benign for SOX5-related condition. Last evaluated: 2019-08-08. Review status: no assertion criteria provided. Collection method: clinical testing. Allele origin: germline. Not counted in ClinVar's aggregate classification.
Comment: This variant is classified as benign based on ACMG/AMP sequence variant interpretation guidelines (Richards et al. 2015 PMID: 25741868, with internal and published modifications).

Dr. Peter K. Rogan Lab, Western University
No classification provided (evidence only). Condition: Thyroid cancer, nonmedullary, 1. Review status: no classification provided. Collection method: in vitro. Allele origin: not applicable. Functional consequence: retained intron. Not counted in ClinVar's aggregate classification.

Dr. Peter K. Rogan Lab, Western University
No classification provided (evidence only). Condition: Uterine corpus endometrial carcinoma. Review status: no classification provided. Collection method: in vitro. Allele origin: not applicable. Functional consequence: skipped exon. Not counted in ClinVar's aggregate classification.

Dr. Peter K. Rogan Lab, Western University
No classification provided (evidence only). Condition: Germ cell tumor of testis. Review status: no classification provided. Collection method: in vitro. Allele origin: not applicable. Functional consequence: retained intron. Not counted in ClinVar's aggregate classification.

NM_006940.6(SOX5):c.1165-8709T>C

Gene: SOX5 (SRY-box transcription factor 5; minus strand). Cytogenetic location: 12p12.1.
Variant type: single nucleotide variant.
Coding change: c.1165-8709T>C on transcript NM_006940.6 (MANE Select); 8709 bases into the intron before coding-DNA position 1165, T replaced by C.
Molecular consequence: intron variant. On other transcripts: synonymous variant (1).
Genome position (GRCh38, 1-based): chr12:23,584,547, A>G on the plus strand (T>C on the coding strand, the complement: SOX5 is on the minus strand). VCF-style: chr12-23584547-A-G. GRCh37 (hg19) VCF-style: chr12-23737481-A-G.
Other names: NC_000012.11:g.23737481A>G; c.6T>C, p.His2= (NM_178010.4); c.1126-8709T>C (NM_152989.5); c.1125+19840T>C (NM_001261414.3); c.1135-8709T>C (NM_001261415.3); c.1060-8709T>C (NM_001330785.2); c.6T>C (NM_178010.3).
Identifiers: ClinVar variation 2578677 (VCV002578677.27), dbSNP rs79989573, ClinGen allele CA6484104.